The following is an entry in ClinVar:

Conditions:
Breast-ovarian cancer, familial, susceptibility to, 1 (BROVCA1). Also called: BRCA1 Hereditary Breast and Ovarian Cancer; OVARIAN CANCER, SUSCEPTIBILITY TO. Identifiers: Orphanet 145, MedGen C2676676, MONDO:0011450, OMIM 604370. Disease mechanism: loss of function.

Submission:

Brotman Baty Institute, University of Washington
No classification provided (evidence only). Condition: Breast-ovarian cancer, familial 1. Review status: no classification provided. Collection method: in vitro. Allele origin: not applicable. Functional consequence: functionally_normal.
ClinVar note: "not provided" was previously submitted as the classification for the variant. However, the classification appeared to be based only on an observation of functional data so it was converted to no classification on 2025-07-30.

NM_007294.4(BRCA1):c.137T>A (p.Phe46Tyr)

Gene: BRCA1 (BRCA1 DNA repair associated; minus strand). Cytogenetic location: 17q21.31.
Variant type: single nucleotide variant.
Coding change: c.137T>A on transcript NM_007294.4 (MANE Select); coding-DNA position 137, T replaced by A.
Protein change: p.Phe46Tyr; replaces phenylalanine 46 with tyrosine.
Molecular consequence: missense variant. On other transcripts: 5 prime UTR variant (1), non-coding transcript variant (1).
Genome position (GRCh38, 1-based): chr17:43,106,531, A>T on the plus strand (T>A on the coding strand, the complement: BRCA1 is on the minus strand). VCF-style: chr17-43106531-A-T. GRCh37 (hg19) VCF-style: chr17-41258548-A-T.
Other names: c.-52T>A (NM_001407571.1, NM_001407853.1, NM_001407879.1 and 58 more transcripts); c.137T>A, p.Phe46Tyr (NM_001407581.1, NM_001407582.1, NM_001407583.1 and 168 more transcripts); c.-5T>A (NM_001407692.1, NM_001407694.1, NM_001407695.1 and 99 more transcripts); short protein forms F46Y.
Identifiers: ClinVar variation 867879 (VCV000867879.3), dbSNP rs2054796108, ClinGen allele CA10601881.